The following is an entry in ClinVar:

NM_004370.6(COL12A1):c.6518A>G (p.Asn2173Ser)

Gene: COL12A1 (collagen type XII alpha 1 chain; minus strand). Cytogenetic location: 6q13.
Variant type: single nucleotide variant.
Coding change: c.6518A>G on transcript NM_004370.6 (MANE Select); coding-DNA position 6518, A replaced by G.
Protein change: p.Asn2173Ser; replaces asparagine 2173 with serine.
Molecular consequence: missense variant.
Genome position (GRCh38, 1-based): chr6:75,125,216, T>C on the plus strand (A>G on the coding strand, the complement: COL12A1 is on the minus strand). VCF-style: chr6-75125216-T-C. GRCh37 (hg19) VCF-style: chr6-75834932-T-C.
Other names: c.6518A>G, p.Asn2173Ser (NM_001424113.1); c.6497A>G, p.Asn2166Ser (NM_001424114.1); c.6245A>G, p.Asn2082Ser (NM_001424115.1); c.3026A>G, p.Asn1009Ser (NM_001424116.1, NM_080645.3); short protein forms N1009S, N2082S, N2166S, N2173S.
Identifiers: ClinVar variation 2581761 (VCV002581761.5), dbSNP rs758085379, ClinGen allele CA3892787.

ClinVar aggregate classification (germline): Uncertain significance. Review status: criteria provided, multiple submitters, no conflicts (2 of 4 stars). 3 submissions from 3 submitters: Uncertain significance (3). Last evaluated 2025-07-18.

Conditions:
Ullrich congenital muscular dystrophy 2 (UCMD2). Identifiers: Orphanet 75840, MedGen C4225314, MONDO:0014654, OMIM 616470.
Bethlem myopathy 2 (BTHLM2). Identifiers: Orphanet 536516, Orphanet 610, MedGen C4225313, MONDO:0034022, OMIM 616471.

Allele frequency attached by ClinVar (database versions not stated): gnomAD exomes 0.00002; ExAC 0.00001.
gnomAD v4.1: 22 of 1,612,036 alleles (0.0014%); highest among the groups gnomAD compares: East Asian, 0.0022%; no homozygotes.

Submissions (3):

Women's Health and Genetics/Laboratory Corporation of America, LabCorp
Classification: Uncertain significance. Last evaluated: 2025-07-18. Review status: criteria provided, single submitter. Criteria: LabCorp Variant Classification Summary - May 2015. Collection method: clinical testing. Allele origin: germline.
Comment: Variant summary: COL12A1 c.6518A>G (p.Asn2173Ser) results in a conservative amino acid change in the encoded protein sequence. Algorithms developed to predict the effect of missense changes on protein structure and function are either unavailable or do not agree on the potential impact of this missense change. The variant allele was found at a frequency of 4e-06 in 247838 control chromosomes. The available data on variant occurrences in the general population are insufficient to allow any conclusion about variant significance. To our knowledge, no occurrence of c.6518A>G in individuals affected with Ullrich congenital muscular dystrophy 2 and no experimental evidence demonstrating its impact on protein function have been reported. ClinVar contains an entry for this variant (Variation ID: 2581761). Based on the evidence outlined above, the variant was classified as uncertain significance.

Labcorp Genetics (formerly Invitae), Labcorp
Classification: Uncertain significance for Bethlem myopathy 2; Ullrich congenital muscular dystrophy 2. Last evaluated: 2025-04-23. Review status: criteria provided, single submitter. Criteria: Invitae Variant Classification Sherloc (09022015). Collection method: clinical testing. Allele origin: germline.
Comment: This sequence change replaces asparagine, which is neutral and polar, with serine, which is neutral and polar, at codon 2173 of the COL12A1 protein (p.Asn2173Ser). This variant is present in population databases (rs758085379, gnomAD 0.006%). This variant has not been reported in the literature in individuals affected with COL12A1-related conditions. ClinVar contains an entry for this variant (Variation ID: 2581761). Invitae Evidence Modeling of protein sequence and biophysical properties (such as structural, functional, and spatial information, amino acid conservation, physicochemical variation, residue mobility, and thermodynamic stability) indicates that this missense variant is expected to disrupt COL12A1 protein function with a positive predictive value of 80%. In summary, the available evidence is currently insufficient to determine the role of this variant in disease. Therefore, it has been classified as a Variant of Uncertain Significance.

GeneDx
Classification: Uncertain significance. Last evaluated: 2023-09-27. Review status: criteria provided, single submitter. Criteria: GeneDx Variant Classification Process June 2021. Collection method: clinical testing. Allele origin: germline. Affected: yes.
Comment: In silico analysis supports that this missense variant has a deleterious effect on protein structure/function; Has not been previously published as pathogenic or benign to our knowledge